The following is an entry in ClinVar:

ClinVar aggregate classification (germline): Uncertain significance (1 of 4 stars; one submission).

Conditions:
Choanal atresia-athelia-hypothyroidism-delayed puberty-short stature syndrome (BCAHH). Also called: BRANCHIAL ARCH ABNORMALITIES, CHOANAL ATRESIA, ATHELIA, HEARING LOSS, AND HYPOTHYROIDISM SYNDROME. Identifiers: Orphanet 589856, MedGen C5680310, MONDO:0035651, OMIM 620186.
Kabuki syndrome 1 (KABUK1). Also called: KMT2D-Related Kabuki Syndrome. Identifiers: Orphanet 2322, MedGen CN030661, MONDO:0007843, OMIM 147920.

Submission:

Juno Genomics, Hangzhou Juno Genomics, Inc
Classification: Uncertain significance for Choanal atresia-athelia-hypothyroidism-delayed puberty-short stature syndrome; Kabuki syndrome 1. Review status: criteria provided, single submitter. Criteria: ACMG Guidelines, 2015. Collection method: clinical testing. Allele origin: germline.
Comment: Null variant in a gene where loss of function (LOF) is a known mechanism of disease.;Absent from controls (or at extremely low frequency if recessive) in Genome Aggregation Database.

NM_003482.4(KMT2D):c.4020+2T>A

Genes: KMT2D (lysine methyltransferase 2D; minus strand), LOC126861520 (CDK7 strongly-dependent group 2 enhancer GRCh37_chr12:49442744-49443943; plus strand). Cytogenetic location: 12q13.12.
Variant type: single nucleotide variant.
Coding change: c.4020+2T>A on transcript NM_003482.4 (MANE Select); the canonical splice donor site of the intron after coding-DNA position 4020, T replaced by A.
Molecular consequence: splice donor variant.
Genome position (GRCh38, 1-based): chr12:49,049,103, A>T on the plus strand (T>A on the coding strand, the complement: KMT2D is on the minus strand). VCF-style: chr12-49049103-A-T. GRCh37 (hg19) VCF-style: chr12-49442886-A-T.
Identifiers: ClinVar variation 5005119 (VCV005005119.2).
Genomic context (GRCh38, chr12:49,049,103, plus strand): 5'-CAGGACTCAGAGGGTGCTAAAGCATGGTTGGGGGATGGGAGGAATAGGAGGCATCTCCTT[A>T]CTACCAGAGTCTCAATGGAAGAAGCAGTTGACTTTAGCCGGGCCCGTCCTCTACCACGTC-3'